The following is an entry in ClinVar:

ClinVar aggregate classification (germline): Likely benign (0 of 4 stars; one submission).

Conditions:
UACA-related disorder. Also called: UACA-related condition.

Allele frequency attached by ClinVar (database versions not stated): TOPMed 0.00010; 1000 Genomes Project 30x 0.00016; gnomAD 0.00016; ExAC 0.00327.

Submission:

PreventionGenetics, part of Exact Sciences
Classification: Likely benign for UACA-related condition. Last evaluated: 2019-03-21. Review status: no assertion criteria provided. Collection method: clinical testing. Allele origin: germline.
Comment: This variant is classified as likely benign based on ACMG/AMP sequence variant interpretation guidelines (Richards et al. 2015 PMID: 25741868, with internal and published modifications).

NM_018003.4(UACA):c.4248C>T (p.Cys1416=)

Gene: UACA (uveal autoantigen with coiled-coil domains and ankyrin repeats; minus strand). Cytogenetic location: 15q23.
Variant type: single nucleotide variant.
Coding change: c.4248C>T on transcript NM_018003.4 (MANE Select); coding-DNA position 4248, C replaced by T.
Protein change: p.Cys1416=; no amino-acid change (cysteine 1416 retained).
Molecular consequence: synonymous variant.
Genome position (GRCh38, 1-based): chr15:70,657,059, G>A on the plus strand (C>T on the coding strand, the complement: UACA is on the minus strand). VCF-style: chr15-70657059-G-A. GRCh37 (hg19) VCF-style: chr15-70949398-G-A.
Other names: c.4209C>T, p.Cys1403= (NM_001008224.3).
Identifiers: ClinVar variation 3046606 (VCV003046606.2), dbSNP rs145929072, ClinGen allele CA7636620.
Genomic context (GRCh38, chr15:70,657,059, plus strand): 5'-ACAAAGAATGTTCAGCACCAGCAAGATAAAACAGATACTGGCAGTCAGTGCTAACGGCTA[G>A]CACACAAGCCCCTGCCGCATTTGTATGATCTGGAGCAGAGCCTCCTGAACATCTTCATCC-3'
Protein context (NP_060473.2, residues 1406-1416): QIIQMRQGLV[Cys1416=]